The following is an entry in ClinVar:

ClinVar aggregate classification (germline): Conflicting classifications of pathogenicity. Review status: criteria provided, conflicting classifications (1 of 4 stars). 2 submissions from 2 submitters: Uncertain significance (1); Likely benign (1). Last evaluated 2026-06-01.

Conditions:
Primary ciliary dyskinesia. Also called: Ciliary dyskinesia. Identifiers: Orphanet 244, MedGen C0008780, MONDO:0016575, HP:0012265.

Allele frequency attached by ClinVar (database versions not stated): gnomAD 0.00001 and 0.00002; TOPMed 0.00001.
gnomAD v4.1: 20 of 1,545,530 alleles (0.0013%); highest among the groups gnomAD compares: South Asian, 0.0013%; no homozygotes.

Submissions (2):

Ambry Genetics
Classification: Uncertain significance for Primary ciliary dyskinesia. Last evaluated: 2026-06-01. Review status: criteria provided, single submitter. Criteria: Ambry Variant Classification Scheme 2023. Collection method: clinical testing. Allele origin: germline.
Comment: The p.I760V variant (also known as c.2278A>G), located in coding exon 14 of the DNAH11 gene, results from an A to G substitution at nucleotide position 2278. The isoleucine at codon 760 is replaced by valine, an amino acid with highly similar properties. This amino acid position is conserved. In addition, this alteration is predicted to be tolerated by in silico analysis. Based on the available evidence, the clinical significance of this variant remains unclear.

Labcorp Genetics (formerly Invitae), Labcorp
Classification: Likely benign for Primary ciliary dyskinesia. Last evaluated: 2025-05-17. Review status: criteria provided, single submitter. Criteria: Invitae Variant Classification Sherloc (09022015). Collection method: clinical testing. Allele origin: germline.

NM_001277115.2(DNAH11):c.2278A>G (p.Ile760Val)

Gene: DNAH11 (dynein axonemal heavy chain 11; plus strand). Cytogenetic location: 7p15.3.
Variant type: single nucleotide variant.
Coding change: c.2278A>G on transcript NM_001277115.2 (MANE Select); coding-DNA position 2278, A replaced by G.
Protein change: p.Ile760Val; replaces isoleucine 760 with valine.
Molecular consequence: missense variant.
Genome position (GRCh38, 1-based): chr7:21,591,188, A>G. VCF-style: chr7-21591188-A-G. GRCh37 (hg19) VCF-style: chr7-21630806-A-G.
Other names: c.2278A>G (NM_001277115.1); short protein forms I760V.
Identifiers: ClinVar variation 1000467 (VCV001000467.11), dbSNP rs768205792, ClinGen allele CA366942243.